The following is an entry in ClinVar:

ClinVar aggregate classification (germline): Uncertain significance. Review status: criteria provided, multiple submitters, no conflicts (2 of 4 stars). 2 submissions from 2 submitters: Uncertain significance (2). Last evaluated 2024-08-15.

Conditions:
Spastic paraplegia. Identifiers: MedGen C0037772, HP:0001258.

Allele frequency attached by ClinVar (database versions not stated): gnomAD exomes below 0.00001; ExAC 0.00001; gnomAD 0.00003; TOPMed 0.00002.
gnomAD v4.1: 10 of 1,613,904 alleles (0.00062%); highest among the groups gnomAD compares: African/African-American, 0.0013%; no homozygotes.

Submissions (2):

Labcorp Genetics (formerly Invitae), Labcorp
Classification: Uncertain significance for Spastic paraplegia. Last evaluated: 2024-08-15. Review status: criteria provided, single submitter. Criteria: Invitae Variant Classification Sherloc (09022015). Collection method: clinical testing. Allele origin: germline.
Comment: This sequence change falls in intron 9 of the ZFYVE26 gene. It does not directly change the encoded amino acid sequence of the ZFYVE26 protein. It affects a nucleotide within the consensus splice site. This variant is present in population databases (rs775709247, gnomAD 0.0009%). This variant has not been reported in the literature in individuals affected with ZFYVE26-related conditions. ClinVar contains an entry for this variant (Variation ID: 429320). Variants that disrupt the consensus splice site are a relatively common cause of aberrant splicing (PMID: 17576681, 9536098). Algorithms developed to predict the effect of sequence changes on RNA splicing suggest that this variant may disrupt the consensus splice site. In summary, the available evidence is currently insufficient to determine the role of this variant in disease. Therefore, it has been classified as a Variant of Uncertain Significance.

GeneDx
Classification: Uncertain significance. Last evaluated: 2021-07-25. Review status: criteria provided, single submitter. Criteria: GeneDx Variant Classification Process June 2021. Collection method: clinical testing. Allele origin: germline. Affected: yes.
Comment: Not observed at significant frequency in large population cohorts (Lek et al., 2016); In silico analysis supports a deleterious effect on splicing; Has not been previously published as pathogenic or benign to our knowledge

Literature cited by the submitters: PubMed 17576681 (cited by Labcorp Genetics (formerly Invitae), Labcorp); PubMed 9536098 (cited by Labcorp Genetics (formerly Invitae), Labcorp).

NM_015346.4(ZFYVE26):c.1436-3C>G

Gene: ZFYVE26 (zinc finger FYVE-type containing 26; minus strand). Cytogenetic location: 14q24.1.
Variant type: single nucleotide variant.
Coding change: c.1436-3C>G on transcript NM_015346.4 (MANE Select); 3 bases into the intron before coding-DNA position 1436, C replaced by G.
Molecular consequence: intron variant.
Genome position (GRCh38, 1-based): chr14:67,802,285, G>C on the plus strand (C>G on the coding strand, the complement: ZFYVE26 is on the minus strand). VCF-style: chr14-67802285-G-C. GRCh37 (hg19) VCF-style: chr14-68269002-G-C.
Identifiers: ClinVar variation 429320 (VCV000429320.5), dbSNP rs775709247, ClinGen allele CA7240518.